The following is an entry in ClinVar:

NM_020745.4(AARS2):c.344A>T (p.His115Leu)

Gene: AARS2 (alanyl-tRNA synthetase 2, mitochondrial; minus strand). Cytogenetic location: 6p21.1.
Variant type: single nucleotide variant.
Coding change: c.344A>T on transcript NM_020745.4 (MANE Select); coding-DNA position 344, A replaced by T.
Protein change: p.His115Leu; replaces histidine 115 with leucine.
Molecular consequence: missense variant.
Genome position (GRCh38, 1-based): chr6:44,312,163, T>A on the plus strand (A>T on the coding strand, the complement: AARS2 is on the minus strand). VCF-style: chr6-44312163-T-A. GRCh37 (hg19) VCF-style: chr6-44279900-T-A.
Other names: short protein forms H115L.
Identifiers: ClinVar variation 1488535 (VCV001488535.9), dbSNP rs757866075, ClinGen allele CA364341662.
Genomic context (GRCh38, chr6:44,312,163, plus strand): 5'-CCAAGCATTTCAAAGAAGGTATGATGGGAAAGGTCTCGACCCACATCTTCCAGGTCGTTA[T>A]GGTGTCCTCCAGCTCTCACACATTTCTGGCTGTTGGCCACACGTCGGAAGCCTGCCATCT-3'
Protein context (NP_065796.2, residues 105-125): SQKCVRAGGH[His115Leu]NDLEDVGRDL

ClinVar aggregate classification (germline): Uncertain significance (1 of 4 stars; one submission).

gnomAD v4.1: 4 of 1,614,270 alleles (0.00025%); highest among the groups gnomAD compares: Admixed American, 0.0067%; no homozygotes.

Submission:

Labcorp Genetics (formerly Invitae), Labcorp
Classification: Uncertain significance. Last evaluated: 2022-07-05. Review status: criteria provided, single submitter. Criteria: Invitae Variant Classification Sherloc (09022015). Collection method: clinical testing. Allele origin: germline.
Comment: Advanced modeling of protein sequence and biophysical properties (such as structural, functional, and spatial information, amino acid conservation, physicochemical variation, residue mobility, and thermodynamic stability) performed at Invitae indicates that this missense variant is expected to disrupt AARS2 protein function. ClinVar contains an entry for this variant (Variation ID: 1488535). This variant has not been reported in the literature in individuals affected with AARS2-related conditions. This variant is present in population databases (no rsID available, gnomAD 0.003%). This sequence change replaces histidine, which is basic and polar, with leucine, which is neutral and non-polar, at codon 115 of the AARS2 protein (p.His115Leu). In summary, the available evidence is currently insufficient to determine the role of this variant in disease. Therefore, it has been classified as a Variant of Uncertain Significance.